The following is an entry in ClinVar:

ClinVar aggregate classification (germline): Likely benign. Review status: reviewed by expert panel (3 of 4 stars). 7 submissions from 7 submitters: Likely benign (1). 6 of the submissions do not count toward it. Last evaluated 2017-06-29.

Conditions:
Breast-ovarian cancer, familial, susceptibility to, 1 (BROVCA1). Also called: BRCA1 Hereditary Breast and Ovarian Cancer; OVARIAN CANCER, SUSCEPTIBILITY TO. Identifiers: Orphanet 145, MedGen C2676676, MONDO:0011450, OMIM 604370. Disease mechanism: loss of function.
Hereditary cancer-predisposing syndrome. Also called: Hereditary neoplastic syndrome; Neoplastic Syndromes, Hereditary; Hereditary Cancer Syndrome; Tumor predisposition. Identifiers: Orphanet 140162, MedGen C0027672, MeSH D009386, MONDO:0015356.
Hereditary breast ovarian cancer syndrome. Also called: Hereditary breast and ovarian cancer syndrome; Breast and ovarian cancer; BRCA1- and BRCA2-Associated Hereditary Breast and Ovarian Cancer; Hereditary breast and ovarian cancer syndrome (HBOC); Hereditary breast and/or ovarian cancer syndrome; Hereditary breast and ovarian cancer. Identifiers: Orphanet 145, MedGen C0677776, MeSH D061325, MONDO:0003582. Disease mechanism: loss of function.

Allele frequency attached by ClinVar (database versions not stated): ExAC 0.00001.
gnomAD v4.1: 2 of 1,614,176 alleles (0.00012%); highest among the groups gnomAD compares: Admixed American, 0.0033%; no homozygotes.

Submissions (7):

Evidence-based Network for the Interpretation of Germline Mutant Alleles (ENIGMA)
Classification: Likely benign for Breast-ovarian cancer, familial, susceptibility to, 1. Last evaluated: 2017-06-29. Review status: reviewed by expert panel. Criteria: ENIGMA BRCA1/2 Classification Criteria (2017-06-29). Collection method: curation. Allele origin: germline.
Comment: Synonymous substitution variant, with low bioinformatic likelihood to result in a splicing aberration (Splicing prior probability 0.02).

CeGaT Center for Human Genetics Tuebingen
Classification: Likely benign. Last evaluated: 2026-09-01. Review status: criteria provided, single submitter. Criteria: CeGaT Center For Human Genetics Tuebingen Variant Classification Criteria Version 2. Collection method: clinical testing. Allele origin: germline. Affected: yes. Observed: 1 variant allele. Not counted in ClinVar's aggregate classification.
Comment: BRCA1: BP4, BP7

Labcorp Genetics (formerly Invitae), Labcorp
Classification: Likely benign for Hereditary breast ovarian cancer syndrome. Last evaluated: 2025-02-09. Review status: criteria provided, single submitter. Criteria: Invitae Variant Classification Sherloc (09022015). Collection method: clinical testing. Allele origin: germline. Not counted in ClinVar's aggregate classification.

Women's Health and Genetics/Laboratory Corporation of America, LabCorp
Classification: Likely benign. Last evaluated: 2024-12-06. Review status: criteria provided, single submitter. Criteria: LabCorp Variant Classification Summary - May 2015. Collection method: clinical testing. Allele origin: germline. Not counted in ClinVar's aggregate classification.

Ambry Genetics
Classification: Likely benign for Hereditary cancer-predisposing syndrome. Last evaluated: 2020-03-06. Review status: criteria provided, single submitter. Criteria: Ambry Variant Classification Scheme 2023. Collection method: clinical testing. Allele origin: germline. Not counted in ClinVar's aggregate classification.

Quest Diagnostics Nichols Institute San Juan Capistrano
Classification: Likely benign. Last evaluated: 2017-03-17. Review status: criteria provided, single submitter. Criteria: Quest Diagnostics criteria. Collection method: clinical testing. Allele origin: germline. Not counted in ClinVar's aggregate classification.

GeneDx
Classification: Likely benign. Last evaluated: 2016-01-28. Review status: criteria provided, single submitter. Criteria: GeneDx Variant Classification (06012015). Collection method: clinical testing. Allele origin: germline. Affected: yes. Not counted in ClinVar's aggregate classification.
Comment: This variant is considered likely benign or benign based on one or more of the following criteria: it is a conservative change, it occurs at a poorly conserved position in the protein, it is predicted to be benign by multiple in silico algorithms, and/or has population frequency not consistent with disease.

NM_007294.4(BRCA1):c.1257A>T (p.Val419=)

Gene: BRCA1 (BRCA1 DNA repair associated; minus strand). Cytogenetic location: 17q21.31.
Variant type: single nucleotide variant.
Coding change: c.1257A>T on transcript NM_007294.4 (MANE Select); coding-DNA position 1257, A replaced by T.
Protein change: p.Val419=; no amino-acid change (valine 419 retained).
Molecular consequence: synonymous variant. On other transcripts: intron variant (137).
Genome position (GRCh38, 1-based): chr17:43,094,274, T>A on the plus strand (A>T on the coding strand, the complement: BRCA1 is on the minus strand). VCF-style: chr17-43094274-T-A. GRCh37 (hg19) VCF-style: chr17-41246291-T-A.
Other names: c.1044A>T, p.Val348= (NM_001407571.1, NM_001407853.1, NM_001407894.1 and 9 more transcripts); c.1257A>T, p.Val419= (NM_001407581.1, NM_001407582.1, NM_001407583.1 and 30 more transcripts); c.1254A>T, p.Val418= (NM_001407587.1, NM_001407590.1, NM_001407591.1 and 22 more transcripts); c.1248A>T, p.Val416= (NM_001407646.1, NM_001407647.1); c.1134A>T, p.Val378= (NM_001407648.1, NM_001407664.1, NM_001407665.1 and 19 more transcripts); c.1131A>T, p.Val377= (NM_001407649.1, NM_001407670.1, NM_001407671.1 and 11 more transcripts); c.1179A>T, p.Val393= (NM_001407653.1, NM_001407654.1, NM_001407655.1 and 4 more transcripts); c.1176A>T, p.Val392= (NM_001407659.1, NM_001407660.1, NM_001407661.1 and 1 more transcripts); and 40 more.
Identifiers: ClinVar variation 383475 (VCV000383475.18), dbSNP rs751690840, ClinGen allele CA057123.